The following is an entry in ClinVar:

NM_005045.4(RELN):c.10015A>G (p.Met3339Val)

Genes: SLC26A5-AS1 (SLC26A5 antisense RNA 1; plus strand), RELN (reelin; minus strand). Cytogenetic location: 7q22.1.
Variant type: single nucleotide variant.
Coding change: c.10015A>G on transcript NM_005045.4 (MANE Select); coding-DNA position 10015, A replaced by G.
Protein change: p.Met3339Val; replaces methionine 3339 with valine.
Molecular consequence: missense variant.
Genome position (GRCh38, 1-based): chr7:103,483,819, T>C on the plus strand (A>G on the coding strand, the complement: RELN is on the minus strand). VCF-style: chr7-103483819-T-C. GRCh37 (hg19) VCF-style: chr7-103124266-T-C.
Other names: c.10015A>G, p.Met3339Val (NM_173054.3); short protein forms M3339V.
Identifiers: ClinVar variation 3432030 (VCV003432030.3).

ClinVar aggregate classification (germline): Uncertain significance. Review status: criteria provided, multiple submitters, no conflicts (2 of 4 stars). 2 submissions from 2 submitters: Uncertain significance (2). Last evaluated 2024-11-14.

Conditions:
Norman-Roberts syndrome (LIS2). Also called: Lissencephaly 2 (Norman-Roberts type). Identifiers: Orphanet 89844, MedGen C0796089, MONDO:0009760, OMIM 257320.
Familial temporal lobe epilepsy 7. Identifiers: Orphanet 101046, MedGen C4225327, MONDO:0014639, OMIM 616436.
Inborn genetic diseases. Identifiers: MedGen C0950123, MeSH D030342.

gnomAD v4.1: 8 of 1,613,900 alleles (0.0005%); highest among the groups gnomAD compares: Admixed American, 0.0017%; no homozygotes.

Submissions (2):

Ambry Genetics
Classification: Uncertain significance for Inborn genetic diseases. Last evaluated: 2024-11-14. Review status: criteria provided, single submitter. Criteria: Ambry Variant Classification Scheme 2023. Collection method: clinical testing. Allele origin: germline.

Labcorp Genetics (formerly Invitae), Labcorp
Classification: Uncertain significance for Familial temporal lobe epilepsy 7; Norman-Roberts syndrome. Last evaluated: 2024-02-15. Review status: criteria provided, single submitter. Criteria: Invitae Variant Classification Sherloc (09022015). Collection method: clinical testing. Allele origin: germline.
Comment: This sequence change replaces methionine, which is neutral and non-polar, with valine, which is neutral and non-polar, at codon 3339 of the RELN protein (p.Met3339Val). This variant is present in population databases (rs753877347, gnomAD 0.003%). This variant has not been reported in the literature in individuals affected with RELN-related conditions. Advanced modeling of protein sequence and biophysical properties (such as structural, functional, and spatial information, amino acid conservation, physicochemical variation, residue mobility, and thermodynamic stability) performed at Invitae indicates that this missense variant is not expected to disrupt RELN protein function with a negative predictive value of 80%. In summary, the available evidence is currently insufficient to determine the role of this variant in disease. Therefore, it has been classified as a Variant of Uncertain Significance.